The following is an entry in ClinVar:

NM_032444.4(SLX4):c.4146C>A (p.Ser1382Arg)

Gene: SLX4 (SLX4 structure-specific endonuclease subunit; minus strand). Cytogenetic location: 16p13.3.
Variant type: single nucleotide variant.
Coding change: c.4146C>A on transcript NM_032444.4 (MANE Select); coding-DNA position 4146, C replaced by A.
Protein change: p.Ser1382Arg; replaces serine 1382 with arginine.
Molecular consequence: missense variant.
Genome position (GRCh38, 1-based): chr16:3,589,492, G>T on the plus strand (C>A on the coding strand, the complement: SLX4 is on the minus strand). VCF-style: chr16-3589492-G-T. GRCh37 (hg19) VCF-style: chr16-3639493-G-T.
Other names: c.4146C>A (NM_032444.2); short protein forms S1382R.
Identifiers: ClinVar variation 1467692 (VCV001467692.8), dbSNP rs926938694, ClinGen allele CA276958485.

ClinVar aggregate classification (germline): Uncertain significance. Review status: criteria provided, multiple submitters, no conflicts (2 of 4 stars). 3 submissions from 3 submitters: Uncertain significance (3). Last evaluated 2025-06-24.

Conditions:
Fanconi anemia complementation group P. Also called: SLX4-Related Fanconi Anemia. Identifiers: Orphanet 84, MedGen C3469542, MONDO:0013499, OMIM 613951.
Inborn genetic diseases. Identifiers: MedGen C0950123, MeSH D030342.
Fanconi anemia (FA). Also called: Fanconi's anemia. Identifiers: Orphanet 84, MedGen C0015625, MeSH D005199, MONDO:0019391.

Allele frequency attached by ClinVar (database versions not stated): gnomAD exomes below 0.00001; gnomAD 0.00005 and 0.00006; TOPMed 0.00006.
gnomAD v4.1: 9 of 1,610,152 alleles (0.00056%); highest among the groups gnomAD compares: African/African-American, 0.012%; no homozygotes.

Submissions (3):

Ambry Genetics
Classification: Uncertain significance for Inborn genetic diseases. Last evaluated: 2025-06-24. Review status: criteria provided, single submitter. Criteria: Ambry Variant Classification Scheme 2023. Collection method: clinical testing. Allele origin: germline.

Labcorp Genetics (formerly Invitae), Labcorp
Classification: Uncertain significance for Fanconi anemia. Last evaluated: 2025-05-26. Review status: criteria provided, single submitter. Criteria: Invitae Variant Classification Sherloc (09022015). Collection method: clinical testing. Allele origin: germline.
Comment: This sequence change replaces serine, which is neutral and polar, with arginine, which is basic and polar, at codon 1382 of the SLX4 protein (p.Ser1382Arg). This variant is present in population databases (no rsID available, gnomAD 0.02%). This variant has not been reported in the literature in individuals affected with SLX4-related conditions. ClinVar contains an entry for this variant (Variation ID: 1467692). An algorithm developed to predict the effect of missense changes on protein structure and function outputs the following: PolyPhen-2: "Benign". The arginine amino acid residue is found in multiple mammalian species, which suggests that this missense change does not adversely affect protein function. In summary, the available evidence is currently insufficient to determine the role of this variant in disease. Therefore, it has been classified as a Variant of Uncertain Significance.

Fulgent Genetics
Classification: Uncertain significance for Fanconi anemia complementation group P. Last evaluated: 2022-03-23. Review status: criteria provided, single submitter. Criteria: ACMG Guidelines, 2015. Collection method: clinical testing. Allele origin: unknown.